The following is an entry in ClinVar:

NM_006929.5(SKIC2):c.40C>T (p.Pro14Ser)

Gene: SKIC2 (SKI2 subunit of superkiller complex; plus strand). Cytogenetic location: 6p21.33.
Variant type: single nucleotide variant.
Coding change: c.40C>T on transcript NM_006929.5 (MANE Select); coding-DNA position 40, C replaced by T.
Protein change: p.Pro14Ser; replaces proline 14 with serine.
Molecular consequence: missense variant.
Genome position (GRCh38, 1-based): chr6:31,959,314, C>T. VCF-style: chr6-31959314-C-T. GRCh37 (hg19) VCF-style: chr6-31927091-C-T.
Other names: short protein forms P14S.
Identifiers: ClinVar variation 3617252 (VCV003617252.2).
Genomic context (GRCh38, chr6:31,959,314, plus strand): 5'-ATGGAATGAACTTTGACCCCTGACTTTTGACCTTTCCCCGTAGTGCTACCCCCTCCAGAT[C>T]CCCTGGACCTACCCCTTCGGGCCGTGGAGCTCGGATGCACGGGGCACTGGGAGCTGCTGA-3'
Protein context (NP_008860.4, residues 4-24): TERLVLPPPD[Pro14Ser]LDLPLRAVEL

ClinVar aggregate classification (germline): Uncertain significance (1 of 4 stars; one submission).

gnomAD v4.1: 4 of 1,613,646 alleles (0.00025%); highest among the groups gnomAD compares: Non-Finnish European, 0.00034%; no homozygotes.

Submission:

Labcorp Genetics (formerly Invitae), Labcorp
Classification: Uncertain significance. Last evaluated: 2024-10-21. Review status: criteria provided, single submitter. Criteria: Invitae Variant Classification Sherloc (09022015). Collection method: clinical testing. Allele origin: germline.
Comment: This sequence change replaces proline, which is neutral and non-polar, with serine, which is neutral and polar, at codon 14 of the SKIV2L protein (p.Pro14Ser). This variant is not present in population databases (gnomAD no frequency). This variant has not been reported in the literature in individuals affected with SKIV2L-related conditions. An algorithm developed to predict the effect of missense changes on protein structure and function (PolyPhen-2) suggests that this variant is likely to be disruptive. In summary, the available evidence is currently insufficient to determine the role of this variant in disease. Therefore, it has been classified as a Variant of Uncertain Significance.